The following is an entry in ClinVar:

ClinVar aggregate classification (germline): Likely pathogenic (1 of 4 stars; one submission).

Submission:

GeneDx
Classification: Likely pathogenic. Last evaluated: 2026-04-07. Review status: criteria provided, single submitter. Criteria: GeneDx Variant Classification Process June 2021. Collection method: clinical testing. Allele origin: germline.
Comment: Not observed at significant frequency in large population cohorts (gnomAD); In silico analysis supports that this missense variant has a deleterious effect on protein structure/function; Has not been previously published as pathogenic or benign to our knowledge

NM_005157.6(ABL1):c.403A>G (p.Asn135Asp)

Gene: ABL1 (ABL proto-oncogene 1, non-receptor tyrosine kinase; plus strand). Cytogenetic location: 9q34.12.
Variant type: single nucleotide variant.
Coding change: c.403A>G on transcript NM_005157.6 (MANE Select); coding-DNA position 403, A replaced by G.
Protein change: p.Asn135Asp; replaces asparagine 135 with aspartic acid.
Molecular consequence: missense variant.
Genome position (GRCh38, 1-based): chr9:130,854,950, A>G. VCF-style: chr9-130854950-A-G. GRCh37 (hg19) VCF-style: chr9-133730337-A-G.
Other names: c.460A>G, p.Asn154Asp (NM_007313.3); short protein forms N135D, N154D.
Identifiers: ClinVar variation 4527100 (VCV004527100.2).